The following is an entry in ClinVar:

NM_006612.6(KIF1C):c.2711C>G (p.Pro904Arg)

Gene: KIF1C (kinesin family member 1C; plus strand). Cytogenetic location: 17p13.2.
Variant type: single nucleotide variant.
Coding change: c.2711C>G on transcript NM_006612.6 (MANE Select); coding-DNA position 2711, C replaced by G.
Protein change: p.Pro904Arg; replaces proline 904 with arginine.
Molecular consequence: missense variant.
Genome position (GRCh38, 1-based): chr17:5,023,550, C>G. VCF-style: chr17-5023550-C-G. GRCh37 (hg19) VCF-style: chr17-4926845-C-G.
Other names: short protein forms P904R.
Identifiers: ClinVar variation 468854 (VCV000468854.6), dbSNP rs1395728872, ClinGen allele CA397317106.
Genomic context (GRCh38, chr17:5,023,550, plus strand): 5'-AAGGTGGTGAGGTCCCCTGGGCCCCGCCTGAAGGATCAGAGGCAGCAGAGGAGGCAGCCC[C>G]CAGTGACCGCATGCCGTCAGCCCGGCCCCCCTCGCCACCACTGTCAAGCTGGGAGCGGGT-3'
Protein context (NP_006603.2, residues 894-914): EGSEAAEEAA[Pro904Arg]SDRMPSARPP

ClinVar aggregate classification (germline): Uncertain significance (1 of 4 stars; one submission).

Conditions:
Spastic ataxia 2. Also called: Ataxia, spastic, 2, autosomal recessive. Identifiers: Orphanet 397946, MedGen C1969796, MONDO:0012651, OMIM 611302.

Allele frequency attached by ClinVar (database versions not stated): gnomAD exomes below 0.00001; gnomAD 0.00001; TOPMed 0.00001.

Submission:

Labcorp Genetics (formerly Invitae), Labcorp
Classification: Uncertain significance for Spastic ataxia 2. Last evaluated: 2022-06-27. Review status: criteria provided, single submitter. Criteria: Invitae Variant Classification Sherloc (09022015). Collection method: clinical testing. Allele origin: germline.
Comment: In summary, the available evidence is currently insufficient to determine the role of this variant in disease. Therefore, it has been classified as a Variant of Uncertain Significance. Algorithms developed to predict the effect of missense changes on protein structure and function (SIFT, PolyPhen-2, Align-GVGD) all suggest that this variant is likely to be tolerated. ClinVar contains an entry for this variant (Variation ID: 468854). This variant has not been reported in the literature in individuals affected with KIF1C-related conditions. This variant is not present in population databases (gnomAD no frequency). This sequence change replaces proline, which is neutral and non-polar, with arginine, which is basic and polar, at codon 904 of the KIF1C protein (p.Pro904Arg).